The following is an entry in ClinVar:

ClinVar aggregate classification (germline): Benign (0 of 4 stars; one submission).

Conditions:
CARD10-related disorder. Also called: CARD10-related condition.

Allele frequency attached by ClinVar (database versions not stated): 1000 Genomes Project 30x 0.04888; 1000 Genomes Project 0.05072; gnomAD exomes 0.05580; ESP Exome Variant Server 0.05948; gnomAD 0.06087; ExAC 0.11746.

Submission:

PreventionGenetics, part of Exact Sciences
Classification: Benign for CARD10-related condition. Last evaluated: 2019-10-28. Review status: no assertion criteria provided. Collection method: clinical testing. Allele origin: germline.
Comment: This variant is classified as benign based on ACMG/AMP sequence variant interpretation guidelines (Richards et al. 2015 PMID: 25741868, with internal and published modifications).

NM_014550.4(CARD10):c.1584C>T (p.Ala528=)

Gene: CARD10 (caspase recruitment domain family member 10; minus strand). Cytogenetic location: 22q13.1.
Variant type: single nucleotide variant.
Coding change: c.1584C>T on transcript NM_014550.4 (MANE Select); coding-DNA position 1584, C replaced by T.
Protein change: p.Ala528=; no amino-acid change (alanine 528 retained).
Molecular consequence: synonymous variant.
Genome position (GRCh38, 1-based): chr22:37,504,236, G>A on the plus strand (C>T on the coding strand, the complement: CARD10 is on the minus strand). VCF-style: chr22-37504236-G-A. GRCh37 (hg19) VCF-style: chr22-37900243-G-A.
Identifiers: ClinVar variation 3055514 (VCV003055514.2), dbSNP rs3817802, ClinGen allele CA10219793.